The following is an entry in ClinVar:

NM_001172509.2(SATB2):c.346+2T>G

Gene: SATB2 (SATB homeobox 2; minus strand). Cytogenetic location: 2q33.1.
Variant type: single nucleotide variant.
Coding change: c.346+2T>G on transcript NM_001172509.2 (MANE Select); the canonical splice donor site of the intron after coding-DNA position 346, T replaced by G.
Molecular consequence: splice donor variant.
Genome position (GRCh38, 1-based): chr2:199,433,336, A>C on the plus strand (T>G on the coding strand, the complement: SATB2 is on the minus strand). VCF-style: chr2-199433336-A-C. GRCh37 (hg19) VCF-style: chr2-200298059-A-C.
Other names: c.346+2T>G (NM_001172517.1, NM_015265.4).
Identifiers: ClinVar variation 584419 (VCV000584419.2), dbSNP rs1559052017, ClinGen allele CA350386602.

ClinVar aggregate classification (germline): not provided (0 of 4 stars; one submission).

Conditions:
Chromosome 2q32-q33 deletion syndrome (GLASS). Also called: 2q33.1 deletion syndrome; Glass syndrome. Identifiers: Orphanet 251019, MedGen C2676739, MONDO:0012864, OMIM 612313.

Submission:

GeneReviews
No classification provided. Condition: Chromosome 2q32-q33 deletion syndrome. Review status: no classification provided. Collection method: literature only. Allele origin: de novo.
Comment: This variant may cause a change in splicing.

Literature cited by the submitters: NCBI Bookshelf NBK458647; PubMed 29023086.